The following is an entry in ClinVar:

NM_015836.4(WARS2):c.635-31G>A

Gene: WARS2 (tryptophanyl tRNA synthetase 2, mitochondrial; minus strand). Cytogenetic location: 1p12.
Variant type: single nucleotide variant.
Coding change: c.635-31G>A on transcript NM_015836.4 (MANE Select); 31 bases into the intron before coding-DNA position 635, G replaced by A.
Molecular consequence: intron variant. On other transcripts: splice acceptor variant (1).
Genome position (GRCh38, 1-based): chr1:119,033,390, C>T on the plus strand (G>A on the coding strand, the complement: WARS2 is on the minus strand). VCF-style: chr1-119033390-C-T. GRCh37 (hg19) VCF-style: chr1-119576013-C-T.
Other names: c.635-2G>A (NM_201263.2); c.377-31G>A (NM_001378229.1); c.464-31G>A (NM_001378228.1); c.549-31G>A (NM_001378231.1); c.566-31G>A (NM_001378226.1, NM_001378227.1); c.353-31G>A (NM_001378230.1).
Identifiers: ClinVar variation 4881630 (VCV004881630.2).

ClinVar aggregate classification (germline): Uncertain significance (1 of 4 stars; one submission).

Submission:

Dasa
Classification: Uncertain significance. Last evaluated: 2025-07-28. Review status: criteria provided, single submitter. Criteria: DASA Assertion Criteria. Collection method: clinical testing. Allele origin: germline.
Comment: NM_201263.2(WARS2):c.635-2G>A affects a canonical splice site and is predicted to disrupt normal RNA splicing. This variant has been observed in affected individuals with WARS2-related disorders. Also, this variant is absent from population databases. The currently available literature and clinical evidence are not sufficient to establish a definitive association between this variant and the reported condition. Therefore, this variant is classified as a variant of uncertain significance.